The following is an entry in ClinVar:

ClinVar aggregate classification (germline): Uncertain significance (1 of 4 stars; one submission).

Conditions:
Multiple sulfatase deficiency (MSD). Also called: Mucosulfatidosis; Multiple Sulfatase Deficiency Disease; Sulfatidosis, Juvenile, Austin Type. Identifiers: Orphanet 585, MedGen C0268263, MONDO:0010088, OMIM 272200.

Allele frequency attached by ClinVar (database versions not stated): gnomAD exomes below 0.00001.
gnomAD v4.1: 1 of 1,613,358 alleles (0.000062%); highest among the groups gnomAD compares: African/African-American, 0.0013%; no homozygotes.

Submission:

Labcorp Genetics (formerly Invitae), Labcorp
Classification: Uncertain significance for Multiple sulfatase deficiency. Last evaluated: 2022-04-22. Review status: criteria provided, single submitter. Criteria: Invitae Variant Classification Sherloc (09022015). Collection method: clinical testing. Allele origin: germline.
Comment: In summary, the available evidence is currently insufficient to determine the role of this variant in disease. Therefore, it has been classified as a Variant of Uncertain Significance. Algorithms developed to predict the effect of sequence changes on RNA splicing suggest that this variant may create or strengthen a splice site. This variant has not been reported in the literature in individuals affected with SUMF1-related conditions. This variant is not present in population databases (gnomAD no frequency). This sequence change falls in intron 5 of the SUMF1 gene. It does not directly change the encoded amino acid sequence of the SUMF1 protein.

NM_182760.4(SUMF1):c.726-7C>G

Gene: SUMF1 (sulfatase modifying factor 1; minus strand). Cytogenetic location: 3p26.1.
Variant type: single nucleotide variant.
Coding change: c.726-7C>G on transcript NM_182760.4 (MANE Select); 7 bases into the intron before coding-DNA position 726, C replaced by G.
Molecular consequence: intron variant.
Genome position (GRCh38, 1-based): chr3:4,417,249, G>C on the plus strand (C>G on the coding strand, the complement: SUMF1 is on the minus strand). VCF-style: chr3-4417249-G-C. GRCh37 (hg19) VCF-style: chr3-4458933-G-C.
Other names: c.651-7C>G (NM_001164674.2); c.726-7C>G (NM_001164675.2).
Identifiers: ClinVar variation 2084825 (VCV002084825.4), dbSNP rs2125032288, ClinGen allele CA2580069163.